The following is an entry in ClinVar:

ClinVar aggregate classification (germline): Uncertain significance (0 of 4 stars; one submission).

Conditions:
Autosomal dominant Parkinson disease 8. Also called: Parkinson disease 8, susceptibility to; LRRK2-Related Parkinson Disease; Parkinson disease 8. Identifiers: Orphanet 411602, MedGen C1846862, MONDO:0011764, OMIM 607060.

Allele frequency attached by ClinVar (database versions not stated): ExAC 0.37602; ESP Exome Variant Server 0.38773; 1000 Genomes Project 30x 0.44863; gnomAD exomes 0.34677 and 0.38286; gnomAD 0.38176 and 0.38370; TOPMed 0.40247; 1000 Genomes Project 0.44828.

Submission:

GeneReviews
Classification: Uncertain significance for LRRK2-Related Parkinson Disease. Last evaluated: 2012-09-13. Review status: no assertion criteria provided. Collection method: curation. Allele origin: unknown.
ClinVar note: Converted during submission from unknown to Uncertain significance.

NM_198578.4(LRRK2):c.7190= (p.Met2397=)

Gene: LRRK2 (leucine rich repeat kinase 2; plus strand). Cytogenetic location: 12q12.
Variant type: single nucleotide variant.
Coding change: c.7190= on transcript NM_198578.4 (MANE Select); coding-DNA position 7190, no change from the reference sequence.
Protein change: p.Met2397=; no amino-acid change (methionine 2397 retained).
Molecular consequence: no sequence alteration.
Genome position: GRCh38 VCF-style: chr12-40364850-T-T. GRCh37 (hg19) VCF-style: chr12-40758652-T-T.
Identifiers: ClinVar variation 39238 (VCV000039238.4), dbSNP rs3761863.